The following is an entry in ClinVar:

NM_013275.6(ANKRD11):c.3731A>G (p.Lys1244Arg)

Gene: ANKRD11 (ankyrin repeat domain containing 11; minus strand). Cytogenetic location: 16q24.3.
Variant type: single nucleotide variant.
Coding change: c.3731A>G on transcript NM_013275.6 (MANE Select); coding-DNA position 3731, A replaced by G.
Protein change: p.Lys1244Arg; replaces lysine 1244 with arginine.
Molecular consequence: missense variant.
Genome position (GRCh38, 1-based): chr16:89,282,811, T>C on the plus strand (A>G on the coding strand, the complement: ANKRD11 is on the minus strand). VCF-style: chr16-89282811-T-C. GRCh37 (hg19) VCF-style: chr16-89349219-T-C.
Other names: c.3731A>G, p.Lys1244Arg (NM_001256182.2, NM_001256183.2); short protein forms K1244R.
Identifiers: ClinVar variation 3907999 (VCV003907999.1).

ClinVar aggregate classification (germline): Uncertain significance (1 of 4 stars; one submission).

gnomAD v4.1: 2 of 1,611,510 alleles (0.00012%); highest among the groups gnomAD compares: Non-Finnish European, 0.000085%; no homozygotes.

Submission:

GeneDx
Classification: Uncertain significance. Last evaluated: 2024-12-27. Review status: criteria provided, single submitter. Criteria: GeneDx Variant Classification Process June 2021. Collection method: clinical testing. Allele origin: germline. Affected: yes.
Comment: Not observed at significant frequency in large population cohorts (gnomAD); In silico analysis indicates that this missense variant does not alter protein structure/function; Has not been previously published as pathogenic or benign to our knowledge